The following is an entry in ClinVar:

ClinVar aggregate classification (germline): Conflicting classifications of pathogenicity. Review status: criteria provided, conflicting classifications (1 of 4 stars). 2 submissions from 2 submitters: Likely pathogenic (1); Uncertain significance (1). Last evaluated 2024-01-16.

Conditions:
Neurofibromatosis, type 1 (NF1). Also called: NEUROFIBROMATOSIS, TYPE I, SOMATIC; Peripheral type neurofibromatosis; VON RECKLINGHAUSEN DISEASE; Neurofibromatosis, type I. Identifiers: Orphanet 636, MedGen C0027831, MONDO:0018975, OMIM 162200. Disease mechanism: loss of function.

Submissions (2):

Labcorp Genetics (formerly Invitae), Labcorp
Classification: Uncertain significance for Neurofibromatosis, type 1. Last evaluated: 2024-01-16. Review status: criteria provided, single submitter. Criteria: Invitae Variant Classification Sherloc (09022015). Collection method: clinical testing. Allele origin: germline.
Comment: This sequence change replaces phenylalanine, which is neutral and non-polar, with cysteine, which is neutral and slightly polar, at codon 1863 of the NF1 protein (p.Phe1863Cys). This variant is not present in population databases (gnomAD no frequency). This missense change has been observed in individual(s) with clinical features of neurofibromatosis type 1 (PMID: 30290804). ClinVar contains an entry for this variant (Variation ID: 1805987). Advanced modeling of protein sequence and biophysical properties (such as structural, functional, and spatial information, amino acid conservation, physicochemical variation, residue mobility, and thermodynamic stability) performed at Invitae indicates that this missense variant is expected to disrupt NF1 protein function with a positive predictive value of 95%. This variant disrupts the p.Phe1863 amino acid residue in NF1. Other variant(s) that disrupt this residue have been determined to be pathogenic (PMID: 22190595, 27838393; Invitae). This suggests that this residue is clinically significant, and that variants that disrupt this residue are likely to be disease-causing. In summary, the available evidence is currently insufficient to determine the role of this variant in disease. Therefore, it has been classified as a Variant of Uncertain Significance.

Victorian Clinical Genetics Services, Murdoch Childrens Research Institute
Classification: Likely pathogenic for Neurofibromatosis, type 1. Last evaluated: 2022-09-02. Review status: criteria provided, single submitter. Criteria: ACMG Guidelines, 2015. Collection method: clinical testing. Allele origin: germline. Inheritance: Autosomal dominant inheritance. Affected: yes.
Comment: Based on the classification scheme VCGS_Germline_v1.3.4, this variant is classified as Likely pathogenic. Following criteria are met: 0102 - Loss of function is a known mechanism of disease in this gene and is associated with neurofibromatosis, type 1 (MIM#162200). (I) 0107 - This gene is associated with autosomal dominant disease. (I) 0200 - Variant is predicted to result in a missense amino acid change from phenylalanine to cysteine. (I) 0251 - This variant is heterozygous. (I) 0301 - Variant is absent from gnomAD (both v2 and v3). (SP) 0501 - Missense variant consistently predicted to be damaging by multiple in silico tools or highly conserved with a major amino acid change. (SP) 0600 - Variant is located in the annotated SEC14 domain and pleckstrin homology domain (PMID: 30290804). (I) 0703 - Another missense variant comparable to the one identified in this case has moderate previous evidence for pathogenicity. This alternative change (p.(Phe1884Leu)) has been reported once as a VUS (LOVD). It has also been reported as likely pathogenic and pathogenic, and observed in several individuals with neurofibromatosis (NF) (ClinVar, PMID: 27838393, PMID: 30308447). Another comparable variant (p.(Phe1884Val)) has been reported as a VUS (ClinVar, LOVD). (SP) 0803 - This variant has limited previous evidence of pathogenicity in an unrelated individual. This variant has been observed in a single individual with NF (PMID: 30290804) and reported as pathogenic (LOVD). (SP) 0905 - No published segregation evidence has been identified for this variant. (I) 1007 - No published functional evidence has been identified for this variant. (I) 1102 - Strong phenotype match for this individual. (SP) 1208 - Inheritance information for this variant is not currently available in this individual. (I) Legend: (SP) - Supporting pathogenic, (I) - Information, (SB) - Supporting benign

Literature cited by the submitters: PubMed 30290804 (cited by Labcorp Genetics (formerly Invitae), Labcorp and Victorian Clinical Genetics Services, Murdoch Childrens Research Institute); PubMed 22190595 (cited by Labcorp Genetics (formerly Invitae), Labcorp); PubMed 27838393 (cited by Labcorp Genetics (formerly Invitae), Labcorp and Victorian Clinical Genetics Services, Murdoch Childrens Research Institute); PubMed 30308447 (cited by Victorian Clinical Genetics Services, Murdoch Childrens Research Institute).

NM_001042492.3(NF1):c.5651T>G (p.Phe1884Cys)

Gene: NF1 (neurofibromin 1; plus strand). Cytogenetic location: 17q11.2.
Variant type: single nucleotide variant.
Coding change: c.5651T>G on transcript NM_001042492.3 (MANE Select); coding-DNA position 5651, T replaced by G.
Protein change: p.Phe1884Cys; replaces phenylalanine 1884 with cysteine.
Molecular consequence: missense variant.
Genome position (GRCh38, 1-based): chr17:31,330,337, T>G. VCF-style: chr17-31330337-T-G. GRCh37 (hg19) VCF-style: chr17-29657355-T-G.
Other names: c.5588T>G, p.Phe1863Cys (NM_000267.4); short protein forms F1863C, F1884C.
Identifiers: ClinVar variation 1805987 (VCV001805987.4), dbSNP rs2151544505, ClinGen allele CA399010176.